The following is an entry in ClinVar:

NM_000135.4(FANCA):c.3878del (p.Glu1293fs)

Genes: FANCA (FA complementation group A; minus strand), ZNF276 (zinc finger protein 276; plus strand). Cytogenetic location: 16q24.3.
Variant type: Deletion.
Coding change: c.3878del on transcript NM_000135.4 (MANE Select); coding-DNA position 3878, one base deleted (A; older notation c.3878delA).
Protein change: p.Glu1293fs; shifts the reading frame from glutamic acid 1293.
Molecular consequence: frameshift variant. On other transcripts: 3 prime UTR variant (2), non-coding transcript variant (4).
Genome position (GRCh38, 1-based): chr16:89,740,050, T deleted on the plus strand (A on the coding strand, the reverse complement: FANCA is on the minus strand). VCF-style (leftmost placement, unchanged base first): chr16-89740049-CT-C. GRCh37 (hg19) VCF-style: chr16-89806457-CT-C.
Other names: c.3878delA, p.Glu1293Glyfs (NM_000135.2); c.3878del, p.Glu1293fs (NM_001286167.3); c.*1804del (NM_001113525.2, NM_152287.4); short protein forms E1293fs.
Identifiers: ClinVar variation 974355 (VCV000974355.7), dbSNP rs2062089336, ClinGen allele CA1139664951.

ClinVar aggregate classification (germline): Pathogenic. Review status: criteria provided, single submitter (1 of 4 stars). 2 submissions from 2 submitters: Pathogenic (1). 1 of the submissions does not count toward it. Last evaluated 2020-09-18.

Conditions:
Fanconi anemia complementation group A (FANCA). Also called: Fanconi anemia, group A; FANCA-Related Fanconi Anemia. Identifiers: Orphanet 84, MedGen C3469521, MONDO:0009215, OMIM 227650.
Fanconi anemia (FA). Also called: Fanconi's anemia. Identifiers: Orphanet 84, MedGen C0015625, MeSH D005199, MONDO:0019391.

Submissions (2):

Labcorp Genetics (formerly Invitae), Labcorp
Classification: Pathogenic for Fanconi anemia. Last evaluated: 2020-09-18. Review status: criteria provided, single submitter. Criteria: Invitae Variant Classification Sherloc (09022015). Collection method: clinical testing. Allele origin: germline.
Comment: For these reasons, this variant has been classified as Pathogenic. Loss-of-function variants in FANCA are known to be pathogenic (PMID: 19367192). This sequence change creates a premature translational stop signal (p.Glu1293Glyfs*3) in the FANCA gene. It is expected to result in an absent or disrupted protein product. This variant is not present in population databases (ExAC no frequency). This variant has not been reported in the literature in individuals with FANCA-related conditions.

Leiden Open Variation Database
Classification: Uncertain significance for Fanconi anemia complementation group A. Last evaluated: 2020-02-28. Review status: no assertion criteria provided. Collection method: curation. Allele origin: germline. Affected: yes. Not counted in ClinVar's aggregate classification.
Comment: Curator: Arleen D. Auerbach. Submitter to LOVD: Arleen D. Auerbach.

Literature cited by the submitters: PubMed 19367192 (cited by Labcorp Genetics (formerly Invitae), Labcorp).